The following is an entry in ClinVar:

NM_020376.4(PNPLA2):c.88C>T (p.Arg30Cys)

Genes: PNPLA2 (patatin like domain 2, triacylglycerol lipase; plus strand), LOC130005097 (ATAC-STARR-seq lymphoblastoid silent region 3036; plus strand). Cytogenetic location: 11p15.5.
Variant type: single nucleotide variant.
Coding change: c.88C>T on transcript NM_020376.4 (MANE Select); coding-DNA position 88, C replaced by T.
Protein change: p.Arg30Cys; replaces arginine 30 with cysteine.
Molecular consequence: missense variant.
Genome position (GRCh38, 1-based): chr11:819,806, C>T. VCF-style: chr11-819806-C-T. GRCh37 (hg19) VCF-style: chr11-819806-C-T.
Other names: c.88C>T (NM_020376.3); short protein forms R30C.
Identifiers: ClinVar variation 2153053 (VCV002153053.4), dbSNP rs1239954070, ClinGen allele CA378976702.
Genomic context (GRCh38, chr11:819,806, plus strand): 5'-ATCTCGTTCGCGGGCTGCGGCTTCCTCGGCGTCTACTACGTCGGCGTGGCCTCCTGCCTC[C>T]GCGAGCACGCGCCCTTCCTGGTGGCCAACGCCACGCACATCTACGGCGCCTCGGCCGGGG-3'
Protein context (NP_065109.1, residues 20-40): VYYVGVASCL[Arg30Cys]EHAPFLVANA

ClinVar aggregate classification (germline): Uncertain significance. Review status: criteria provided, multiple submitters, no conflicts (2 of 4 stars). 2 submissions from 2 submitters: Uncertain significance (2). Last evaluated 2023-01-17.

Conditions:
Inborn genetic diseases. Identifiers: MedGen C0950123, MeSH D030342.
Neutral lipid storage myopathy (NLSDM). Also called: NEUTRAL LIPID STORAGE DISEASE WITHOUT ICHTHYOSIS. Identifiers: Orphanet 98908, MedGen C1853136, MONDO:0012545, OMIM 610717.

Allele frequency attached by ClinVar (database versions not stated): gnomAD exomes below 0.00001; gnomAD 0.00001; TOPMed 0.00001.

Submissions (2):

Ambry Genetics
Classification: Uncertain significance for Inborn genetic diseases. Last evaluated: 2023-01-17. Review status: criteria provided, single submitter. Criteria: Ambry Variant Classification Scheme 2023. Collection method: clinical testing. Allele origin: germline.

Labcorp Genetics (formerly Invitae), Labcorp
Classification: Uncertain significance for Neutral lipid storage myopathy. Last evaluated: 2022-03-11. Review status: criteria provided, single submitter. Criteria: Invitae Variant Classification Sherloc (09022015). Collection method: clinical testing. Allele origin: germline.
Comment: In summary, the available evidence is currently insufficient to determine the role of this variant in disease. Therefore, it has been classified as a Variant of Uncertain Significance. Algorithms developed to predict the effect of missense changes on protein structure and function are either unavailable or do not agree on the potential impact of this missense change (SIFT: "Deleterious"; PolyPhen-2: "Possibly Damaging"; Align-GVGD: "Class C15"). This variant has not been reported in the literature in individuals affected with PNPLA2-related conditions. This variant is not present in population databases (gnomAD no frequency). This sequence change replaces arginine, which is basic and polar, with cysteine, which is neutral and slightly polar, at codon 30 of the PNPLA2 protein (p.Arg30Cys).